The following is an entry in ClinVar:

ClinVar aggregate classification (germline): Uncertain significance. Review status: criteria provided, multiple submitters, no conflicts (2 of 4 stars). 2 submissions from 2 submitters: Uncertain significance (2). Last evaluated 2026-05-22.

Conditions:
Hereditary cancer-predisposing syndrome. Also called: Tumor predisposition; Hereditary neoplastic syndrome; Neoplastic Syndromes, Hereditary; Hereditary Cancer Syndrome. Identifiers: Orphanet 140162, MedGen C0027672, MeSH D009386, MONDO:0015356.
Familial cancer of breast. Also called: hereditary breast carcinoma; Hereditary breast cancer; BREAST CANCER, FAMILIAL. Identifiers: Orphanet 227535, MedGen C0346153, MONDO:0016419, OMIM 114480. Disease mechanism: loss of function.

Submissions (2):

Ambry Genetics
Classification: Uncertain significance for Hereditary cancer-predisposing syndrome. Last evaluated: 2026-05-22. Review status: criteria provided, single submitter. Criteria: Ambry Variant Classification Scheme 2023. Collection method: clinical testing. Allele origin: germline.
Comment: The c.211+272C>T intronic variant results from a C to T substitution 272 nucleotides after coding exon 3 in the PALB2 gene. This nucleotide position is highly conserved in available vertebrate species. In silico splice site analysis predicts that this alteration will result in the creation or strengthening of a novel splice donor site; however, direct evidence is insufficient at this time (Ambry internal data). Based on the available evidence, the clinical significance of this variant remains unclear.

Baylor Genetics
Classification: Uncertain significance for Familial cancer of breast. Last evaluated: 2023-06-12. Review status: criteria provided, single submitter. Criteria: ACMG Guidelines, 2015. Collection method: clinical testing. Allele origin: unknown.

NM_024675.4(PALB2):c.211+272C>T

Gene: PALB2 (partner and localizer of BRCA2; minus strand). Cytogenetic location: 16p12.2.
Variant type: single nucleotide variant.
Coding change: c.211+272C>T on transcript NM_024675.4 (MANE Select); 272 bases into the intron after coding-DNA position 211, C replaced by T.
Molecular consequence: intron variant.
Genome position (GRCh38, 1-based): chr16:23,637,578, G>A on the plus strand (C>T on the coding strand, the complement: PALB2 is on the minus strand). VCF-style: chr16-23637578-G-A. GRCh37 (hg19) VCF-style: chr16-23648899-G-A.
Other names: c.211+272C>T (NM_024675.3, NM_001407297.1, NM_001407302.1 and 4 more transcripts); c.-675+272C>T (NM_001407308.1, NM_001407306.1, NM_001407307.1 and 5 more transcripts); c.48+3532C>T (NM_001407314.1); c.-105+3532C>T (NM_001407313.1, NM_001407312.1); c.151+272C>T (NM_001407296.1).
Identifiers: ClinVar variation 2677450 (VCV002677450.2), dbSNP rs2506529969, ClinGen allele CA2695197558.
Genomic context (GRCh38, chr16:23,637,578, plus strand): 5'-CATGGCGAAACCCCATCTCTACTAAAAATATAACAATTAGTCAGGTGTGGTAGTGCACGT[G>A]CCTGTAGTCCCAGCTACTCAGGAGGCTGAGGCACGAGAATCACTTGAGCCTGGGAGTTGG-3'